The following is an entry in ClinVar:

ClinVar aggregate classification (germline): Uncertain significance (1 of 4 stars; one submission).

Conditions:
Developmental and epileptic encephalopathy, 30 (DEE30). Also called: Epileptic encephalopathy, early infantile, 30. Identifiers: MedGen C4225360, MONDO:0014595, OMIM 616341.

Submission:

Labcorp Genetics (formerly Invitae), Labcorp
Classification: Uncertain significance for Developmental and epileptic encephalopathy, 30. Last evaluated: 2022-03-03. Review status: criteria provided, single submitter. Criteria: Invitae Variant Classification Sherloc (09022015). Collection method: clinical testing. Allele origin: germline.
Comment: In summary, the available evidence is currently insufficient to determine the role of this variant in disease. Therefore, it has been classified as a Variant of Uncertain Significance. Algorithms developed to predict the effect of missense changes on protein structure and function are either unavailable or do not agree on the potential impact of this missense change (SIFT: "Tolerated"; PolyPhen-2: "Possibly Damaging"; Align-GVGD: "Class C0"). ClinVar contains an entry for this variant (Variation ID: 950129). This variant has not been reported in the literature in individuals affected with SIK1-related conditions. The frequency data for this variant in the population databases is considered unreliable, as metrics indicate poor data quality at this position in the gnomAD database. This sequence change replaces arginine, which is basic and polar, with glutamine, which is neutral and polar, at codon 45 of the SIK1 protein (p.Arg45Gln).

NM_173354.5(SIK1):c.134G>A (p.Arg45Gln)

Gene: SIK1 (salt inducible kinase 1; minus strand). Cytogenetic location: 21q22.3.
Variant type: single nucleotide variant.
Coding change: c.134G>A on transcript NM_173354.5 (MANE Select); coding-DNA position 134, G replaced by A.
Protein change: p.Arg45Gln; replaces arginine 45 with glutamine.
Molecular consequence: missense variant.
Genome position (GRCh38, 1-based): chr21:43,426,045, C>T on the plus strand (G>A on the coding strand, the complement: SIK1 is on the minus strand). VCF-style: chr21-43426045-C-T. GRCh37 (hg19) VCF-style: chr21-44845925-C-T.
Other names: short protein forms R45Q.
Identifiers: ClinVar variation 950129 (VCV000950129.10), dbSNP rs1400179035, ClinGen allele CA410610942.